The following is an entry in ClinVar:

NM_000038.6(APC):c.501_502insG (p.Arg168fs)

Gene: APC (APC regulator of Wnt signaling pathway; plus strand). Cytogenetic location: 5q22.2.
Variant type: Insertion.
Coding change: c.501_502insG on transcript NM_000038.6 (MANE Select); coding-DNA positions 501 to 502, G inserted.
Protein change: p.Arg168fs; shifts the reading frame from arginine 168.
Molecular consequence: frameshift variant. On other transcripts: 5 prime UTR variant (4), non-coding transcript variant (2).
Genome position: GRCh38 VCF-style: chr5-112775707-A-AG. GRCh37 (hg19) VCF-style: chr5-112111404-A-AG.
Other names: c.501_502insG, p.Arg168fs (NM_001127510.3, NM_001354895.2, NM_001354896.2 and 16 more transcripts); c.531_532insG, p.Arg178fs (NM_001127511.3, NM_001354897.2, NM_001354902.2 and 1 more transcripts); c.426_427insG, p.Arg143fs (NM_001354898.2, NM_001354904.2, NM_001407451.1); c.324_325insG, p.Arg109fs (NM_001354900.2, NM_001354901.2, NM_001354905.2 and 1 more transcripts); c.-535_-534insG (NM_001354906.2, NM_001407470.1, NM_001407471.1 and 1 more transcripts); c.501_502insG (NM_000038.5); short protein forms R109fs, R168fs, R143fs, R178fs.
Identifiers: ClinVar variation 2705196 (VCV002705196.4), dbSNP rs2532415414, ClinGen allele CA2697546424.

ClinVar aggregate classification (germline): Pathogenic. Review status: criteria provided, multiple submitters, no conflicts (2 of 4 stars). 2 submissions from 2 submitters: Pathogenic (2). Last evaluated 2025-03-05.

Conditions:
Hereditary cancer-predisposing syndrome. Also called: Hereditary neoplastic syndrome; Neoplastic Syndromes, Hereditary; Hereditary Cancer Syndrome; Tumor predisposition. Identifiers: Orphanet 140162, MedGen C0027672, MeSH D009386, MONDO:0015356.
Familial adenomatous polyposis 1 (FAP1). Also called: POLYPOSIS, ADENOMATOUS INTESTINAL; FAMILIAL ADENOMATOUS POLYPOSIS 1, ATTENUATED. Identifiers: MedGen C2713442, MONDO:0021056, OMIM 175100. Disease mechanism: loss of function.

Submissions (2):

Ambry Genetics
Classification: Pathogenic for Hereditary cancer-predisposing syndrome. Last evaluated: 2025-03-05. Review status: criteria provided, single submitter. Criteria: Ambry Variant Classification Scheme 2023. Collection method: clinical testing. Allele origin: germline.
Comment: The c.501_502insG pathogenic mutation, located in coding exon 4 of the APC gene, results from an insertion of one nucleotide at position 501, causing a translational frameshift with a predicted alternate stop codon (p.R168Efs*4). This variant is considered to be rare based on population cohorts in the Genome Aggregation Database (gnomAD). This alteration is expected to result in loss of function by premature protein truncation or nonsense-mediated mRNA decay. As such, this alteration is interpreted as a disease-causing mutation.

Labcorp Genetics (formerly Invitae), Labcorp
Classification: Pathogenic for Familial adenomatous polyposis 1. Last evaluated: 2023-12-24. Review status: criteria provided, single submitter. Criteria: Invitae Variant Classification Sherloc (09022015). Collection method: clinical testing. Allele origin: germline.
Comment: This sequence change creates a premature translational stop signal (p.Arg168Glufs*4) in the APC gene. It is expected to result in an absent or disrupted protein product. Loss-of-function variants in APC are known to be pathogenic (PMID: 17963004, 20685668). This variant is not present in population databases (gnomAD no frequency). This variant has not been reported in the literature in individuals affected with APC-related conditions. For these reasons, this variant has been classified as Pathogenic.

Literature cited by the submitters: PubMed 17963004 (cited by Labcorp Genetics (formerly Invitae), Labcorp); PubMed 20685668 (cited by Labcorp Genetics (formerly Invitae), Labcorp).